The following is an entry in ClinVar:

NM_000178.4(GSS):c.587G>A (p.Trp196Ter)

Gene: GSS (glutathione synthetase; minus strand). Cytogenetic location: 20q11.22.
Variant type: single nucleotide variant.
Coding change: c.587G>A on transcript NM_000178.4 (MANE Select); coding-DNA position 587, G replaced by A.
Protein change: p.Trp196Ter; replaces tryptophan 196 with a stop codon.
Molecular consequence: nonsense.
Genome position (GRCh38, 1-based): chr20:34,941,734, C>T on the plus strand (G>A on the coding strand, the complement: GSS is on the minus strand). VCF-style: chr20-34941734-C-T. GRCh37 (hg19) VCF-style: chr20-33529537-C-T.
Other names: c.587G>A, p.Trp196Ter (NM_001322494.1, NM_001322495.1); short protein forms W196*.
Identifiers: ClinVar variation 2792061 (VCV002792061.3), dbSNP rs2519031166, ClinGen allele CA408703812.
Genomic context (GRCh38, chr20:34,941,734, plus strand): 5'-CTAAAGCAGGATCCTCCTGCTACCTTTTCACACCCTTACTTGGGTGAGCCGTAGAGCTCC[C>T]AGGCTTTGGCAATTCCCAGGGCCAGTCCCTTGCTGGGATTATTAGAGAGGATCTTGCCAG-3'

ClinVar aggregate classification (germline): Pathogenic (1 of 4 stars; one submission).

Conditions:
Glutathione synthetase deficiency with 5-oxoprolinuria. Also called: PYROGLUTAMIC ACIDURIA; 5-Oxoprolinuria; Gluthathione synthetase deficiency; 5-OXOPROLINURIA DUE TO GLUTATHIONE SYNTHETASE DEFICIENCY; Reduced glutathione synthetase level. Identifiers: Orphanet 289846, MedGen C0398746, MONDO:0009947, OMIM 266130, HP:0003343.

Submission:

Labcorp Genetics (formerly Invitae), Labcorp
Classification: Pathogenic for Glutathione synthetase deficiency with 5-oxoprolinuria. Last evaluated: 2025-09-21. Review status: criteria provided, single submitter. Criteria: Invitae Variant Classification Sherloc (09022015). Collection method: clinical testing. Allele origin: germline.
Comment: This sequence change creates a premature translational stop signal (p.Trp196*) in the GSS gene. It is expected to result in an absent or disrupted protein product. Loss-of-function variants in GSS are known to be pathogenic (PMID: 12638941, 15717202). This variant is not present in population databases (gnomAD no frequency). This variant has not been reported in the literature in individuals affected with GSS-related conditions. ClinVar contains an entry for this variant (Variation ID: 2792061). For these reasons, this variant has been classified as Pathogenic.

Literature cited by the submitters: PubMed 12638941; PubMed 15717202.